The following is an entry in ClinVar:

NM_000370.3(TTPA):c.663+11T>C

Gene: TTPA (alpha tocopherol transfer protein; minus strand). Cytogenetic location: 8q12.3.
Variant type: single nucleotide variant.
Coding change: c.663+11T>C on transcript NM_000370.3 (MANE Select); 11 bases into the intron after coding-DNA position 663, T replaced by C.
Molecular consequence: intron variant.
Genome position (GRCh38, 1-based): chr8:63,064,195, A>G on the plus strand (T>C on the coding strand, the complement: TTPA is on the minus strand). VCF-style: chr8-63064195-A-G. GRCh37 (hg19) VCF-style: chr8-63976754-A-G.
Identifiers: ClinVar variation 363558 (VCV000363558.21), dbSNP rs4501570, ClinGen allele CA4763178.
Genomic context (GRCh38, chr8:63,064,195, plus strand): 5'-GCAATCCTTAAATTAAAAAGGGTTGGAATGTTTGGTGTAGAGGAACACAGACTTGAATAT[A>G]TTTTACTCACCCGTTCCTTAATTTTTTCAGTCAGGAATGGTTTGATCATGGAAAAGACAG-3'

ClinVar aggregate classification (germline): Benign/Likely benign. Review status: criteria provided, multiple submitters, no conflicts (2 of 4 stars). 9 submissions from 9 submitters: Benign (6); Likely benign (1). 2 of the submissions do not count toward it. Last evaluated 2026-02-04.

Conditions:
Familial isolated deficiency of vitamin E (AVED). Also called: ATAXIA, FRIEDREICH-LIKE, WITH SELECTIVE VITAMIN E DEFICIENCY; Ataxia with isolated vitamin E deficiency. Identifiers: Orphanet 96, MedGen C1848533, MONDO:0010188, OMIM 277460.

Allele frequency attached by ClinVar (database versions not stated): 1000 Genomes Project 30x 0.68082; gnomAD exomes 0.48471 and 0.55748; ESP Exome Variant Server 0.57321; gnomAD 0.59337 and 0.59413; ExAC 0.59367; TOPMed 0.60356; 1000 Genomes Project 0.67732.

Submissions (9):

Labcorp Genetics (formerly Invitae), Labcorp
Classification: Benign. Last evaluated: 2026-02-04. Review status: criteria provided, single submitter. Criteria: Invitae Variant Classification Sherloc (09022015). Collection method: clinical testing. Allele origin: germline.

Blueprint Genetics
Classification: Likely benign. Last evaluated: 2024-11-27. Review status: criteria provided, single submitter. Criteria: ACMG Guidelines, 2015. Collection method: clinical testing. Allele origin: germline.

Genome-Nilou Lab
Classification: Benign for Familial isolated deficiency of vitamin E. Last evaluated: 2021-07-10. Review status: criteria provided, single submitter. Criteria: ACMG Guidelines, 2015. Collection method: clinical testing. Allele origin: germline. Affected: no.

Illumina Laboratory Services, Illumina
Classification: Benign for Familial isolated deficiency of vitamin E. Last evaluated: 2018-01-12. Review status: criteria provided, single submitter. Criteria: ICSL Variant Classification Criteria 13 December 2019. Collection method: clinical testing. Allele origin: germline.
Comment: This variant was observed in the ICSL laboratory as part of a predisposition screen in an ostensibly healthy population. It had not been previously curated by ICSL or reported in the Human Gene Mutation Database (HGMD: prior to June 1st, 2018), and was therefore a candidate for classification through an automated scoring system. Utilizing variant allele frequency, disease prevalence and penetrance estimates, and inheritance mode, an automated score was calculated to assess if this variant is too frequent to cause the disease. Based on the score and internal cut-off values, a variant classified as benign is not then subjected to further curation. The score for this variant resulted in a classification of benign for this disease.

Women's Health and Genetics/Laboratory Corporation of America, LabCorp
Classification: Benign. Last evaluated: 2016-12-18. Review status: criteria provided, single submitter. Criteria: LabCorp Variant Classification Summary - May 2015. Collection method: clinical testing. Allele origin: germline.
Comment: Variant summary: The TTPA c.663+11T>C variant involves the alteration of a non-conserved intronic nucleotide. One in silico tool predicts a benign outcome for this variant. 5/5 splice prediction tools via Alamut suggest no significant impact on a normal splicing pattern, however the functional studies confirming these predictions are yet to be conducted. This variant is present in EXAC at a frequency of 0.59 (63955/107728control chrs). The variant of interest is cites as Benign by reputable databases/clinical diagnostic laboratories. Taken together, based on the frequency in the general population, the variant was classified as Benign.

Clinical Genetics DNA and cytogenetics Diagnostics Lab, Erasmus MC, Erasmus Medical Center
Classification: Benign for Familial isolated deficiency of vitamin E. Last evaluated: 2015-09-21. Review status: criteria provided, single submitter. Criteria: ACGS Guidelines, 2013. Collection method: clinical testing. Allele origin: germline. Affected: yes. Study: VKGL Data-share Consensus.

Breakthrough Genomics
Classification: Benign. Review status: criteria provided, single submitter. Criteria: ACMG Guidelines, 2015. Collection method: not provided. Allele origin: germline. Inheritance: Autosomal recessive inheritance. Affected: yes.

Diagnostic Laboratory, Department of Genetics, University Medical Center Groningen
Classification: Benign for Familial isolated deficiency of vitamin E. Review status: no assertion criteria provided. Collection method: clinical testing. Allele origin: germline. Affected: yes. Study: VKGL Data-share Consensus. Not counted in ClinVar's aggregate classification.

Joint Genome Diagnostic Labs from Nijmegen and Maastricht, Radboudumc and MUMC+
Classification: Benign. Review status: no assertion criteria provided. Collection method: clinical testing. Allele origin: germline. Affected: yes. Study: VKGL Data-share Consensus. Not counted in ClinVar's aggregate classification.